The following is an entry in ClinVar:

NM_020975.6(RET):c.41_43delinsGGTTGCTGC (p.Leu13_Leu14insArgLeu)

Gene: RET (ret proto-oncogene; plus strand). Cytogenetic location: 10q11.21.
Variant type: Indel.
Coding change: c.41_43delinsGGTTGCTGC on transcript NM_020975.6 (MANE Select); coding-DNA positions 41 to 43, TGT replaced by GGTTGCTGC.
Protein change: p.Leu13_Leu14insArgLeu.
Molecular consequence: inframe insertion. On other transcripts: inframe indel (41).
Genome position (GRCh38, 1-based): chr10:43,077,299-43,077,301, TGT replaced by GGTTGCTGC. VCF-style: chr10-43077299-TGT-GGTTGCTGC. GRCh37 (hg19) VCF-style: chr10-43572747-TGT-GGTTGCTGC.
Other names: c.41_43delTGTinsGGTTGCTGC, p.Leu13_Leu14insArgLeu (NM_000323.2, NM_001406743.1, NM_001406744.1 and 38 more transcripts).
Identifiers: ClinVar variation 1737851 (VCV001737851.2), dbSNP rs2491935067, ClinGen allele CA2580081458.
Genomic context (GRCh38, chr10:43,077,299, plus strand): 5'-GGCCCCAGCGCGCACGGGCGATGGCGAAGGCGACGTCCGGTGCCGCGGGGCTGCGTCTGC[TGT>GGTTGCTGC]TGCTGCTGCTGCTGCCGCTGCTAGGCAAAGGTGAGTTCTGCCGGCCGCCGGCTCCCGCAG-3'

ClinVar aggregate classification (germline): Uncertain significance (1 of 4 stars; one submission).

Conditions:
Hereditary cancer-predisposing syndrome. Also called: Neoplastic Syndromes, Hereditary; Tumor predisposition; Hereditary Cancer Syndrome; Hereditary neoplastic syndrome. Identifiers: Orphanet 140162, MedGen C0027672, MeSH D009386, MONDO:0015356.

Submission:

Ambry Genetics
Classification: Uncertain significance for Hereditary cancer-predisposing syndrome. Last evaluated: 2020-10-29. Review status: criteria provided, single submitter. Criteria: Ambry Variant Classification Scheme 2023. Collection method: clinical testing. Allele origin: germline.
Comment: The c.41_43delTGTinsGGTTGCTGC variant (also known as p.R12_L13dup), located in coding exon 1 of the RET gene, results from an in-frame deletion of TGT and insertion of GGTTGCTGC at nucleotide positions 41 to 43. This results in the duplication of two residues (RL) at codon 12. This amino acid region is highly conserved on limited sequence alignment. In addition, this alteration is predicted to be neutral by in silico analysis (Choi Y et al. PLoS ONE. 2012; 7(10):e46688). Since supporting evidence is limited at this time, the clinical significance of this alteration remains unclear.